The following is an entry in ClinVar:

ClinVar aggregate classification (germline): Likely pathogenic (1 of 4 stars; one submission).

gnomAD v4.1: 1 of 1,535,782 alleles (0.000065%); highest among the groups gnomAD compares: African/African-American, 0.0014%; no homozygotes.

Submission:

GeneDx
Classification: Likely pathogenic. Last evaluated: 2024-04-20. Review status: criteria provided, single submitter. Criteria: GeneDx Variant Classification Process June 2021. Collection method: clinical testing. Allele origin: germline. Affected: yes.
Comment: Nonsense variant predicted to result in protein truncation or nonsense mediated decay in a gene for which loss of function is a known mechanism of disease; Not observed at significant frequency in large population cohorts (gnomAD); Has not been previously published as pathogenic or benign to our knowledge

NM_001142864.4(PIEZO1):c.799C>T (p.Gln267Ter)

Genes: HSALR1 (HSP90AB1 associated lncRNA 1; plus strand), PIEZO1 (piezo type mechanosensitive ion channel component 1 (Er blood group); minus strand). Cytogenetic location: 16q24.3.
Variant type: single nucleotide variant.
Coding change: c.799C>T on transcript NM_001142864.4 (MANE Select); coding-DNA position 799, C replaced by T.
Protein change: p.Gln267Ter; replaces glutamine 267 with a stop codon.
Molecular consequence: nonsense. On other transcripts: non-coding transcript variant (1).
Genome position (GRCh38, 1-based): chr16:88,738,276, G>A on the plus strand (C>T on the coding strand, the complement: PIEZO1 is on the minus strand). VCF-style: chr16-88738276-G-A. GRCh37 (hg19) VCF-style: chr16-88804684-G-A.
Other names: short protein forms Q267*.
Identifiers: ClinVar variation 3364744 (VCV003364744.1).